The following is an entry in ClinVar:

ClinVar aggregate classification (germline): Pathogenic (1 of 4 stars; one submission).

Conditions:
Autosomal recessive osteopetrosis 1. Also called: ALBERS-SCHONBERG DISEASE, AUTOSOMAL RECESSIVE; TCIRG1-Related Autosomal Recessive Osteopetrosis; TCIRG1-Related Osteopetrosis. Identifiers: Orphanet 667, MedGen C1850127, MONDO:0009815, OMIM 259700.

gnomAD v4.1: 3 of 1,613,458 alleles (0.00019%); highest among the groups gnomAD compares: East Asian, 0.0022%; no homozygotes.

Submission:

Natera, Inc.
Classification: Pathogenic for Infantile malignant osteopetrosis. Last evaluated: 2024-12-13. Review status: criteria provided, single submitter. Criteria: Natera Variant Classification Schema (03/2026). Collection method: clinical testing. Allele origin: germline.
Comment: The c.2414+2T>C variant in TCIRG1 is a canonical splice donor site variant predicted to affect pre-mRNA splicing, which may result in an abnormal transcript and altered protein product. This variant is expected to result in nonsense mediated decay, truncation, or a dysfunctional protein product. This variant is rare in the general population with a frequency below the threshold expected for the associated phenotype(s). This variant has been observed in one or more individuals affected with the associated recessive disease, as either homozygous or compound heterozygous with a second variant (PMID: 11856654). Functional studies show that this variant may disrupt protein function (PMID: 11856654). Given the available evidence, this variant is classified as Pathogenic.

Literature cited by the submitters: PubMed 11856654.

NM_006019.4(TCIRG1):c.2414+2T>C

Gene: TCIRG1 (T cell immune regulator 1, ATPase H+ transporting V0 subunit a3; plus strand). Cytogenetic location: 11q13.2.
Variant type: single nucleotide variant.
Coding change: c.2414+2T>C on transcript NM_006019.4 (MANE Select); the canonical splice donor site of the intron after coding-DNA position 2414, T replaced by C.
Molecular consequence: splice donor variant. On other transcripts: intron variant (4).
Genome position (GRCh38, 1-based): chr11:68,050,666, T>C. VCF-style: chr11-68050666-T-C. GRCh37 (hg19) VCF-style: chr11-67818133-T-C.
Other names: c.2414+2T>C (NM_001440552.1, NM_001440553.1, NM_001440554.1); c.2237-75T>C (NM_001440557.1, NM_001440558.1); c.2201+2T>C (NM_001440559.1, NM_001440561.1, NM_001440560.1 and 1 more transcripts); c.1454+2T>C (NM_001440569.1); c.2024-75T>C (NM_001440566.1); c.2372+2T>C (NM_001440555.1, NM_001440556.1); c.1520+2T>C (NM_001351059.2); c.1952+2T>C (NM_001440567.1); and 5 more.
Identifiers: ClinVar variation 4815486 (VCV004815486.1).